The following is an entry in ClinVar:

ClinVar aggregate classification (germline): Pathogenic (1 of 4 stars; one submission).

Submission:

Labcorp Genetics (formerly Invitae), Labcorp
Classification: Pathogenic. Last evaluated: 2023-07-07. Review status: criteria provided, single submitter. Criteria: Invitae Variant Classification Sherloc (09022015). Collection method: clinical testing. Allele origin: germline.
Comment: For these reasons, this variant has been classified as Pathogenic. This variant has not been reported in the literature in individuals affected with EIF2AK3-related conditions. This variant is not present in population databases (gnomAD no frequency). This sequence change creates a premature translational stop signal (p.Leu47Argfs*47) in the EIF2AK3 gene. It is expected to result in an absent or disrupted protein product. Loss-of-function variants in EIF2AK3 are known to be pathogenic (PMID: 11997520).

Literature cited by the submitters: PubMed 11997520.

NM_004836.7(EIF2AK3):c.88_139dup (p.Leu47fs)

Gene: EIF2AK3 (eukaryotic translation initiation factor 2 alpha kinase 3; minus strand). Cytogenetic location: 2p11.2.
Variant type: Duplication.
Coding change: c.88_139dup on transcript NM_004836.7 (MANE Select); coding-DNA positions 88 to 139, 52 bases duplicated.
Protein change: p.Leu47fs; shifts the reading frame from leucine 47.
Molecular consequence: frameshift variant.
Genome position (GRCh38, 1-based): chr2:88,627,136-88,627,187, 52 bases duplicated. GRCh37 (hg19): chr2:88,926,658-88,926,709.
Other names: short protein forms L47fs.
Identifiers: ClinVar variation 2737880 (VCV002737880.3), dbSNP rs2528309114, ClinGen allele CA2697548323.